The following is an entry in ClinVar:

ClinVar aggregate classification (germline): Uncertain significance. Review status: criteria provided, multiple submitters, no conflicts (2 of 4 stars). 3 submissions from 3 submitters: Uncertain significance (3). Last evaluated 2026-03-10.

Conditions:
SCN11A-related disorder. Also called: SCN11A-related condition.
Inborn genetic diseases. Identifiers: MedGen C0950123, MeSH D030342.
Familial episodic pain syndrome with predominantly lower limb involvement. Also called: Episodic pain syndrome, familial, 3. Identifiers: Orphanet 391384, Orphanet 391392, MedGen C3809899, MONDO:0014247, OMIM 615552.
Hereditary sensory and autonomic neuropathy type 7. Also called: HSAN VII; Neuropathy, hereditary sensory and autonomic, type VII. Identifiers: Orphanet 391397, MedGen C3809882, MONDO:0014244, OMIM 615548.

Allele frequency attached by ClinVar (database versions not stated): TOPMed 0.00003; gnomAD 0.00004 and 0.00003; gnomAD exomes 0.00001; ExAC 0.00002.
gnomAD v4.1: 17 of 1,612,872 alleles (0.0011%); highest among the groups gnomAD compares: African/African-American, 0.0027%; no homozygotes.

Submissions (3):

PreventionGenetics, part of Exact Sciences
Classification: Uncertain significance for SCN11A-related condition. Last evaluated: 2026-03-10. Review status: criteria provided, single submitter. Criteria: ACMG Guidelines, 2015. Collection method: clinical testing. Allele origin: germline.
Comment: The SCN11A c.3851G>A variant is predicted to result in the amino acid substitution p.Gly1284Asp. To our knowledge, this variant has not been reported in the literature. This variant is reported in 0.0062% of alleles in individuals of African descent in gnomAD. At this time, the clinical significance of this variant is uncertain due to the absence of conclusive functional and genetic evidence.

Labcorp Genetics (formerly Invitae), Labcorp
Classification: Uncertain significance for Familial episodic pain syndrome with predominantly lower limb involvement; Hereditary sensory and autonomic neuropathy type 7. Last evaluated: 2025-09-15. Review status: criteria provided, single submitter. Criteria: Invitae Variant Classification Sherloc (09022015). Collection method: clinical testing. Allele origin: germline.
Comment: This sequence change replaces glycine, which is neutral and non-polar, with aspartic acid, which is acidic and polar, at codon 1284 of the SCN11A protein (p.Gly1284Asp). This variant is present in population databases (rs755416318, gnomAD 0.007%). This variant has not been reported in the literature in individuals affected with SCN11A-related conditions. ClinVar contains an entry for this variant (Variation ID: 565966). Invitae Evidence Modeling of protein sequence and biophysical properties (such as structural, functional, and spatial information, amino acid conservation, physicochemical variation, residue mobility, and thermodynamic stability) indicates that this missense variant is not expected to disrupt SCN11A protein function with a negative predictive value of 80%. In summary, the available evidence is currently insufficient to determine the role of this variant in disease. Therefore, it has been classified as a Variant of Uncertain Significance.

Ambry Genetics
Classification: Uncertain significance for Inborn genetic diseases. Last evaluated: 2023-12-15. Review status: criteria provided, single submitter. Criteria: Ambry Variant Classification Scheme 2023. Collection method: clinical testing. Allele origin: germline.

NM_001349253.2(SCN11A):c.3851G>A (p.Gly1284Asp)

Gene: SCN11A (sodium voltage-gated channel alpha subunit 11; minus strand). Cytogenetic location: 3p22.2.
Variant type: single nucleotide variant.
Coding change: c.3851G>A on transcript NM_001349253.2 (MANE Select); coding-DNA position 3851, G replaced by A.
Protein change: p.Gly1284Asp; replaces glycine 1284 with aspartic acid.
Molecular consequence: missense variant.
Genome position (GRCh38, 1-based): chr3:38,867,421, C>T on the plus strand (G>A on the coding strand, the complement: SCN11A is on the minus strand). VCF-style: chr3-38867421-C-T. GRCh37 (hg19) VCF-style: chr3-38908912-C-T.
Other names: c.3851G>A, p.Gly1284Asp (NM_014139.3); short protein forms G1284D.
Identifiers: ClinVar variation 565966 (VCV000565966.7), dbSNP rs755416318, ClinGen allele CA2321673.